The following is an entry in ClinVar:

NM_001723.7(DST):c.5254G>A (p.Glu1752Lys)

Gene: DST (dystonin; minus strand). Cytogenetic location: 6p12.1.
Variant type: single nucleotide variant.
Coding change: c.5254G>A on transcript NM_001723.7 (MANE Plus Clinical); coding-DNA position 5254, G replaced by A.
Protein change: p.Glu1752Lys; replaces glutamic acid 1752 with lysine.
Molecular consequence: missense variant. On other transcripts: intron variant (10).
Genome position (GRCh38, 1-based): chr6:56,618,780, C>T on the plus strand (G>A on the coding strand, the complement: DST is on the minus strand). VCF-style: chr6-56618780-C-T. GRCh37 (hg19) VCF-style: chr6-56483578-C-T.
Other names: c.4831-4296G>A (NM_001144769.5); c.4930-4296G>A (NM_001374722.1, NM_001374736.1); c.4957-4296G>A (NM_001374734.1); c.4417-4296G>A (NM_001144770.2); c.4297-4296G>A (NM_001374730.1, NM_001386100.1, NM_183380.4 and 1 more transcripts); c.3319-4296G>A (NM_015548.5); short protein forms E1752K.
Identifiers: ClinVar variation 474530 (VCV000474530.9), dbSNP rs1554505256, ClinGen allele CA364567796.

ClinVar aggregate classification (germline): Uncertain significance (1 of 4 stars; one submission).

Conditions:
Hereditary sensory and autonomic neuropathy type 6. Also called: HSAN VI; Neuropathy, hereditary sensory and autonomic, type VI. Identifiers: Orphanet 314381, MedGen C3539003, MONDO:0013839, OMIM 614653.
Epidermolysis bullosa simplex 3, localized or generalized intermediate, with BP230 deficiency (EBS3). Also called: Epidermolysis bullosa simplex, autosomal recessive 2; Epidermolysis bullosa simplex due to BP230 deficiency. Identifiers: Orphanet 412181, MedGen C3809470, MONDO:0014180, OMIM 615425.

Submission:

Labcorp Genetics (formerly Invitae), Labcorp
Classification: Uncertain significance for Epidermolysis bullosa simplex 3, localized or generalized intermediate, with BP230 deficiency; Hereditary sensory and autonomic neuropathy type 6. Last evaluated: 2017-06-12. Review status: criteria provided, single submitter. Criteria: Invitae Variant Classification Sherloc (09022015). Collection method: clinical testing. Allele origin: germline.
Comment: Algorithms developed to predict the effect of missense changes on protein structure and function (SIFT, PolyPhen-2, Align-GVGD) all suggest that this variant is likely to be tolerated, but these predictions have not been confirmed by published functional studies and their clinical significance is uncertain. This sequence change replaces glutamic acid with lysine at codon 1752 of the DST protein (p.Glu1752Lys). The glutamic acid residue is weakly conserved and there is a small physicochemical difference between glutamic acid and lysine. This variant is not present in population databases (ExAC no frequency). This variant has not been reported in the literature in individuals with a DST-related disease. In summary, this variant has uncertain impact on DST function. The available evidence is currently insufficient to determine its role in disease. Therefore, it has been classified as a Variant of Uncertain Significance.